The following is an entry in ClinVar:

ClinVar aggregate classification (germline): Pathogenic (1 of 4 stars; one submission).

Submission:

Labcorp Genetics (formerly Invitae), Labcorp
Classification: Pathogenic. Last evaluated: 2025-12-29. Review status: criteria provided, single submitter. Criteria: Invitae Variant Classification Sherloc (09022015). Collection method: clinical testing. Allele origin: germline.
Comment: This sequence change creates a premature translational stop signal (p.Ser425Leufs*12) in the CTNNB1 gene. It is expected to result in an absent or disrupted protein product. Loss-of-function variants in CTNNB1 are known to be pathogenic (PMID: 23033978, 24614104, 25326669, 26350204, 28575650). This variant is not present in population databases (gnomAD no frequency). This variant has not been reported in the literature in individuals affected with CTNNB1-related conditions. For these reasons, this variant has been classified as Pathogenic.

Literature cited by the submitters: PubMed 23033978; PubMed 24614104; PubMed 25326669; PubMed 26350204; PubMed 28575650.

NM_001904.4(CTNNB1):c.1273del (p.Ser425fs)

Genes: CTNNB1 (catenin beta 1; plus strand), LOC126806659 (BRD4-independent group 4 enhancer GRCh37_chr3:41274918-41276117; plus strand). Cytogenetic location: 3p22.1.
Variant type: Deletion.
Coding change: c.1273del on transcript NM_001904.4 (MANE Select); coding-DNA position 1273, one base deleted (T; older notation c.1273delT).
Protein change: p.Ser425fs; shifts the reading frame from serine 425.
Molecular consequence: frameshift variant.
Genome position (GRCh38, 1-based): chr3:41,233,616, T deleted; the last of 3 consecutive T bases (chr3:41,233,614-41,233,616); deleting any one gives the same sequence. VCF-style (leftmost placement, unchanged base first): chr3-41233613-CT-C. GRCh37 (hg19) VCF-style: chr3-41275104-CT-C.
Other names: c.1273del, p.Ser425fs (NM_001098209.2, NM_001098210.2, NM_001438871.1 and 4 more transcripts); c.1252del, p.Ser418fs (NM_001330729.2); short protein forms S418fs, S425fs.
Identifiers: ClinVar variation 4734349 (VCV004734349.1).